The following is an entry in ClinVar:

NM_001165963.4(SCN1A):c.2947-20A>C

Gene: SCN1A (sodium voltage-gated channel alpha subunit 1; minus strand). Cytogenetic location: 2q24.3.
Variant type: single nucleotide variant.
Coding change: c.2947-20A>C on transcript NM_001165963.4 (MANE Select); 20 bases into the intron before coding-DNA position 2947, A replaced by C.
Molecular consequence: intron variant.
Genome position (GRCh38, 1-based): chr2:166,036,550, T>G on the plus strand (A>C on the coding strand, the complement: SCN1A is on the minus strand). VCF-style: chr2-166036550-T-G. GRCh37 (hg19) VCF-style: chr2-166893060-T-G.
Other names: c.2914-20A>C (NM_001353949.2, NM_001353950.2, NM_001353951.2 and 2 more transcripts); c.2863-20A>C (NM_001353958.2, NM_001353957.2, NM_001165964.3); c.2947-20A>C (NM_001202435.3, NM_001353948.2); c.2911-20A>C (NM_001353955.2, NM_001353954.2); c.2860-20A>C (NM_001353960.2); c.505-20A>C (NM_001353961.2).
Identifiers: ClinVar variation 517023 (VCV000517023.9), dbSNP rs374476805, ClinGen allele CA1943029.

ClinVar aggregate classification (germline): Likely benign. Review status: criteria provided, multiple submitters, no conflicts (2 of 4 stars). 2 submissions from 2 submitters: Likely benign (2). Last evaluated 2023-06-01.

Conditions:
Early-infantile DEE. Also called: Early infantile epileptic encephalopathy with suppression bursts; Ohtahara syndrome; Early infantile epileptic encephalopathy. Identifiers: Orphanet 1934, MedGen C0393706, MONDO:0800491.

Allele frequency attached by ClinVar (database versions not stated): gnomAD exomes below 0.00001; TOPMed 0.00001; ExAC 0.00002; ESP Exome Variant Server 0.00008.

Submissions (2):

Labcorp Genetics (formerly Invitae), Labcorp
Classification: Likely benign for Early-infantile DEE. Last evaluated: 2023-06-01. Review status: criteria provided, single submitter. Criteria: Invitae Variant Classification Sherloc (09022015). Collection method: clinical testing. Allele origin: germline.

GeneDx
Classification: Likely benign. Last evaluated: 2017-02-20. Review status: criteria provided, single submitter. Criteria: GeneDx Variant Classification (06012015). Collection method: clinical testing. Allele origin: germline. Affected: yes.
Comment: This variant is considered likely benign or benign based on one or more of the following criteria: it is a conservative change, it occurs at a poorly conserved position in the protein, it is predicted to be benign by multiple in silico algorithms, and/or has population frequency not consistent with disease.